The following is an entry in ClinVar:

ClinVar aggregate classification (germline): Uncertain significance (0 of 4 stars; one submission).

Conditions:
TGM5-related disorder. Also called: TGM5-related condition.

Submission:

PreventionGenetics, part of Exact Sciences
Classification: Uncertain significance for TGM5-related condition. Last evaluated: 2024-01-31. Review status: no assertion criteria provided. Collection method: clinical testing. Allele origin: germline.
Comment: The TGM5 c.1268T>C variant is predicted to result in the amino acid substitution p.Val423Ala. To our knowledge, this variant has not been reported in the literature. This variant is reported in 0.0015% of alleles in individuals of European (Non-Finnish) descent in gnomAD. At this time, the clinical significance of this variant is uncertain due to the absence of conclusive functional and genetic evidence.

NM_201631.4(TGM5):c.1268T>C (p.Val423Ala)

Gene: TGM5 (transglutaminase 5; minus strand). Cytogenetic location: 15q15.2.
Variant type: single nucleotide variant.
Coding change: c.1268T>C on transcript NM_201631.4 (MANE Select); coding-DNA position 1268, T replaced by C.
Protein change: p.Val423Ala; replaces valine 423 with alanine.
Molecular consequence: missense variant.
Genome position (GRCh38, 1-based): chr15:43,238,894, A>G on the plus strand (T>C on the coding strand, the complement: TGM5 is on the minus strand). VCF-style: chr15-43238894-A-G. GRCh37 (hg19) VCF-style: chr15-43531092-A-G.
Other names: c.1022T>C, p.Val341Ala (NM_004245.4); short protein forms V341A, V423A.
Identifiers: ClinVar variation 3350456 (VCV003350456.1).
Genomic context (GRCh38, chr15:43,238,894, plus strand): 5'-TTCTCTGTGATGTCATCCCGCTCGTCACTCTGGATGCTCTTTGTGCTGATAAAATTGCCA[A>G]CAGAACTCGTGTCCTGGTGAAGCTTCTGCTCCTTCCCTCCCTGGACGAGCCAGGACATGC-3'
Protein context (NP_963925.2, residues 413-433): EQKLHQDTSS[Val423Ala]GNFISTKSIQ